The following is an entry in ClinVar:

NM_032782.5(HAVCR2):c.245A>G (p.Tyr82Cys)

Gene: HAVCR2 (hepatitis A virus cellular receptor 2; minus strand). Cytogenetic location: 5q33.3.
Variant type: single nucleotide variant.
Coding change: c.245A>G on transcript NM_032782.5 (MANE Select); coding-DNA position 245, A replaced by G.
Protein change: p.Tyr82Cys; replaces tyrosine 82 with cysteine.
Molecular consequence: missense variant.
Genome position (GRCh38, 1-based): chr5:157,106,776, T>C on the plus strand (A>G on the coding strand, the complement: HAVCR2 is on the minus strand). VCF-style: chr5-157106776-T-C. GRCh37 (hg19) VCF-style: chr5-156533787-T-C.
Other names: HAVCR2, TYR82CYS (rs184868814); p.Tyr82Cys; c.245A>G (NM_032782.4); short protein forms Y82C.
Identifiers: ClinVar variation 626252 (VCV000626252.36), dbSNP rs184868814, ClinGen allele CA3531978.

ClinVar aggregate classification (germline): Conflicting classifications of pathogenicity. Review status: criteria provided, conflicting classifications (1 of 4 stars). 10 submissions from 10 submitters: Likely pathogenic (2); Uncertain significance (5); Benign (1). 2 of the submissions do not count toward it. Last evaluated 2026-08-01.

Conditions:
HAVCR2-related disorder. Also called: HAVCR2-related condition.
Subcutaneous panniculitis T-cell lymphoma (SPTCL).
Subcutaneous panniculitis-like T-cell lymphoma (SPTCL). Identifiers: Orphanet 86884, MedGen C0522624, MONDO:0019475, OMIM 618398, HP:0034403.

Allele frequency attached by ClinVar (database versions not stated): ESP Exome Variant Server 0.00008; gnomAD exomes 0.00116 and 0.00383; gnomAD 0.00159 and 0.00193; TOPMed 0.00220; ExAC 0.00345; 1000 Genomes Project 30x 0.00609; 1000 Genomes Project 0.00619.
gnomAD v4.1: 2,080 of 1,614,196 alleles (0.13%); highest among the groups gnomAD compares: East Asian, 1.7%; 9 homozygotes.

Submissions (10):

CeGaT Center for Human Genetics Tuebingen
Classification: Benign. Last evaluated: 2026-08-01. Review status: criteria provided, single submitter. Criteria: CeGaT Center For Human Genetics Tuebingen Variant Classification Criteria Version 2. Collection method: clinical testing. Allele origin: germline. Affected: yes. Observed: 2 variant alleles.
Comment: HAVCR2: BS1, BS2

Genetics Laboratory, Great Ormond Street Hospital NHS Foundation Trust, North Thames Genomic Laboratory Hub
Classification: Likely pathogenic for Subcutaneous panniculitis T-cell lymphoma (SPTCL). Last evaluated: 2026-05-21. Review status: criteria provided, single submitter. Criteria: ACGS Best Practice Guidelines for Variant Classification in Rare Disease 2024 v1.2. Collection method: clinical testing. Allele origin: germline. Affected: yes.
Comment: PS3_moderate, PP1_strong, PM3_moderate

GeneDx
Classification: Uncertain significance. Last evaluated: 2025-07-25. Review status: criteria provided, single submitter. Criteria: GeneDx Variant Classification Process June 2021. Collection method: clinical testing. Allele origin: germline. Affected: yes.
Comment: Has been proposed to increase susceptibility for subcutaneous panniculitis-like T-cell lymphoma (SPTCL) and hemophagocytic lymphohistiocytosis (HLH) (PMID: 30374066, 30792187, 32005988, 34398459, 34398505, 36171125, 37051767, 37479109); Observed in germline homozygous state in multiple unrelated individuals of Asian and Polynesian ancestries with SPTCL in published literature and been proposed to increase susceptibility for subcutaneous panniculitis-like T-cell lymphoma (SPTCL) and hemophagocytic lymphohistiocytosis (HLH) (PMID: 30374066, 30792187, 32005988, 34398459, 34398505, 36171125, 37051767, 37479109), but has also observed in the homozygous state in control populations (gnomAD); Has been reported as founder variant in the East Asian population (PMID: 30374066); In silico analysis supports that this missense variant has a deleterious effect on protein structure/function; This variant is associated with the following publications: (PMID: 30792187, 30374066, 34426522, 37062931, 38077348, 37851074, 38485795, 36212426, 36927968, 39177795, 38867583, 37840116, 39288772, 39032781, KrishnareddigariM2025[Preprint], 39520231, 33003142, 39538229, 36503528, 32271897, 38421052, 36171125, 34398459, 32005988, 34398505, 34535012, 37051767, 37479109)

Blueprint Genetics
Classification: Likely pathogenic for HAVCR2-related disorders. Last evaluated: 2024-11-25. Review status: criteria provided, single submitter. Criteria: ACMG Guidelines, 2015. Collection method: clinical testing. Allele origin: germline. Affected: yes. Observed: 5 variant alleles.

Mayo Clinic Laboratories, Mayo Clinic
Classification: Uncertain significance. Last evaluated: 2024-05-23. Review status: criteria provided, single submitter. Criteria: ACMG Guidelines, 2015. Collection method: clinical testing. Allele origin: germline. Observed: 1 variant allele.
Comment: BS1, PM3, PS3_moderate, PS4_moderate

Revvity Omics, Revvity
Classification: Uncertain significance for Subcutaneous panniculitis-like T-cell lymphoma. Last evaluated: 2023-10-30. Review status: criteria provided, single submitter. Criteria: ACMG Guidelines, 2015. Collection method: clinical testing. Allele origin: germline.

Fulgent Genetics
Classification: Uncertain significance for Subcutaneous panniculitis-like T-cell lymphoma. Last evaluated: 2022-03-14. Review status: criteria provided, single submitter. Criteria: ACMG Guidelines, 2015. Collection method: clinical testing. Allele origin: unknown.

Breakthrough Genomics
Classification: Uncertain significance. Review status: criteria provided, single submitter. Criteria: ACMG Guidelines, 2015. Collection method: not provided. Allele origin: germline. Inheritance: Autosomal recessive inheritance. Affected: yes.

OMIM
Classification: risk factor for T-CELL LYMPHOMA, SUBCUTANEOUS PANNICULITIS-LIKE, SUSCEPTIBILITY TO. Last evaluated: 2024-04-12. Review status: no assertion criteria provided. Collection method: literature only. Allele origin: germline. Not counted in ClinVar's aggregate classification.

PreventionGenetics, part of Exact Sciences
Classification: Likely benign for HAVCR2-related condition. Last evaluated: 2019-10-18. Review status: no assertion criteria provided. Collection method: clinical testing. Allele origin: germline. Not counted in ClinVar's aggregate classification.
Comment: This variant is classified as likely benign based on ACMG/AMP sequence variant interpretation guidelines (Richards et al. 2015 PMID: 25741868, with internal and published modifications).

Literature cited by the submitters: PubMed 30374066 (cited by Mayo Clinic Laboratories, Mayo Clinic); PubMed 30792187 (cited by Mayo Clinic Laboratories, Mayo Clinic and OMIM); PubMed 32005988 (cited by Mayo Clinic Laboratories, Mayo Clinic); PubMed 34398459 (cited by Mayo Clinic Laboratories, Mayo Clinic); PubMed 34398505 (cited by Mayo Clinic Laboratories, Mayo Clinic); PubMed 34426522 (cited by Mayo Clinic Laboratories, Mayo Clinic); PubMed 36171125 (cited by Mayo Clinic Laboratories, Mayo Clinic); PubMed 36212426 (cited by Mayo Clinic Laboratories, Mayo Clinic); PubMed 37062931 (cited by Mayo Clinic Laboratories, Mayo Clinic); PubMed 30429576 (cited by OMIM).